The following is an entry in ClinVar:

NM_004793.4(LONP1):c.2203G>A (p.Val735Met)

Gene: LONP1 (lon peptidase 1, mitochondrial; minus strand). Cytogenetic location: 19p13.3.
Variant type: single nucleotide variant.
Coding change: c.2203G>A on transcript NM_004793.4 (MANE Select); coding-DNA position 2203, G replaced by A.
Protein change: p.Val735Met; replaces valine 735 with methionine.
Molecular consequence: missense variant. On other transcripts: non-coding transcript variant (1).
Genome position (GRCh38, 1-based): chr19:5,694,504, C>T on the plus strand (G>A on the coding strand, the complement: LONP1 is on the minus strand). VCF-style: chr19-5694504-C-T. GRCh37 (hg19) VCF-style: chr19-5694515-C-T.
Other names: c.2011G>A, p.Val671Met (NM_001276479.2); c.1615G>A, p.Val539Met (NM_001276480.1); c.2203G>A (NM_004793.2); short protein forms V735M, V539M, V671M.
Identifiers: ClinVar variation 1030840 (VCV001030840.13), dbSNP rs200317240, ClinGen allele CA9114220.

ClinVar aggregate classification (germline): Conflicting classifications of pathogenicity. Review status: criteria provided, conflicting classifications (1 of 4 stars). 6 submissions from 6 submitters: Uncertain significance (4); Benign (1). 1 of the submissions does not count toward it. Last evaluated 2025-12-15.

Conditions:
LONP1-related disorder. Also called: LONP1-related disorders; LONP1-related condition.
Inborn genetic diseases. Identifiers: MedGen C0950123, MeSH D030342.
CODAS syndrome. Also called: CEREBRAL, OCULAR, DENTAL, AURICULAR, AND SKELETAL ANOMALIES SYNDROME. Identifiers: Orphanet 1458, MedGen C1838180, MONDO:0010879, OMIM 600373.

Allele frequency attached by ClinVar (database versions not stated): gnomAD exomes 0.00003; ExAC 0.00009; gnomAD 0.00018; TOPMed 0.00025; 1000 Genomes Project 0.00060; 1000 Genomes Project 30x 0.00062.

Submissions (6):

Labcorp Genetics (formerly Invitae), Labcorp
Classification: Benign. Last evaluated: 2025-12-15. Review status: criteria provided, single submitter. Criteria: Invitae Variant Classification Sherloc (09022015). Collection method: clinical testing. Allele origin: germline.

GeneDx
Classification: Uncertain significance. Last evaluated: 2023-12-28. Review status: criteria provided, single submitter. Criteria: GeneDx Variant Classification Process June 2021. Collection method: clinical testing. Allele origin: germline. Affected: yes.
Comment: Identified in a patient with congenital cataracts, epiphyseal dysplasia, scoliosis, lumbar lordosis and short stature referred for genetic testing at an outside laboratory (External communication with Exeter Genomics Laboratory); In silico analysis supports that this missense variant does not alter protein structure/function; Has not been previously published as pathogenic or benign to our knowledge

Ambry Genetics
Classification: Uncertain significance for Inborn genetic diseases. Last evaluated: 2022-07-06. Review status: criteria provided, single submitter. Criteria: Ambry Variant Classification Scheme 2023. Collection method: clinical testing. Allele origin: germline.

Baylor Genetics
Classification: Uncertain significance for CODAS syndrome. Last evaluated: 2019-07-11. Review status: criteria provided, single submitter. Criteria: ACMG Guidelines, 2015. Collection method: clinical testing. Allele origin: unknown. Affected: yes.
Comment: This variant was determined to be of uncertain significance according to ACMG Guidelines, 2015 [PMID:25741868].

Kasturba Medical College, Manipal, Kasturba Medical College, Manipal, Manipal Academy of Higher Education, Manipal, India
Classification: Uncertain significance for CODAS syndrome. Review status: criteria provided, single submitter. Criteria: ACMG Guidelines, 2015. Collection method: clinical testing. Allele origin: inherited. Inheritance: Autosomal recessive inheritance. Affected: yes.

PreventionGenetics, part of Exact Sciences
Classification: Uncertain significance for LONP1-related condition. Last evaluated: 2024-08-07. Review status: no assertion criteria provided. Collection method: clinical testing. Allele origin: germline. Not counted in ClinVar's aggregate classification.
Comment: The LONP1 c.2203G>A variant is predicted to result in the amino acid substitution p.Val735Met. To our knowledge, this variant has not been reported in the literature. This variant is reported in 0.096% of alleles in individuals of African descent in gnomAD, which may be too frequent for an unreported disease-causing variant. Although we suspect that this variant may be benign, at this time, the clinical significance of this variant is uncertain due to the absence of conclusive functional and genetic evidence.

Literature cited by the submitters: PubMed 5574826 (cited by Kasturba Medical College, Manipal, Kasturba Medical College, Manipal, Manipal Academy of Higher Education, Manipal, India).